The following is an entry in ClinVar:

ClinVar aggregate classification (germline): Uncertain significance (1 of 4 stars; one submission).

Conditions:
Chédiak-Higashi syndrome (CHS). Also called: Chediak-Higashi Syndrome. Identifiers: Orphanet 167, MedGen C0007965, MONDO:0008963, OMIM 214500.

Allele frequency attached by ClinVar (database versions not stated): gnomAD exomes below 0.00001; gnomAD 0.00003; TOPMed 0.00003.
gnomAD v4.1: 6 of 1,613,784 alleles (0.00037%); highest among the groups gnomAD compares: African/African-American, 0.008%; no homozygotes.

Submission:

Labcorp Genetics (formerly Invitae), Labcorp
Classification: Uncertain significance for Chédiak-Higashi syndrome. Last evaluated: 2022-11-01. Review status: criteria provided, single submitter. Criteria: Invitae Variant Classification Sherloc (09022015). Collection method: clinical testing. Allele origin: germline.
Comment: This sequence change replaces isoleucine, which is neutral and non-polar, with valine, which is neutral and non-polar, at codon 3673 of the LYST protein (p.Ile3673Val). This variant is present in population databases (no rsID available, gnomAD 0.01%). This variant has not been reported in the literature in individuals affected with LYST-related conditions. Advanced modeling of protein sequence and biophysical properties (such as structural, functional, and spatial information, amino acid conservation, physicochemical variation, residue mobility, and thermodynamic stability) performed at Invitae indicates that this missense variant is not expected to disrupt LYST protein function. In summary, the available evidence is currently insufficient to determine the role of this variant in disease. Therefore, it has been classified as a Variant of Uncertain Significance.

NM_000081.4(LYST):c.11017A>G (p.Ile3673Val)

Gene: LYST (lysosomal trafficking regulator; minus strand). Cytogenetic location: 1q42.3.
Variant type: single nucleotide variant.
Coding change: c.11017A>G on transcript NM_000081.4 (MANE Select); coding-DNA position 11017, A replaced by G.
Protein change: p.Ile3673Val; replaces isoleucine 3673 with valine.
Molecular consequence: missense variant.
Genome position (GRCh38, 1-based): chr1:235,677,112, T>C on the plus strand (A>G on the coding strand, the complement: LYST is on the minus strand). VCF-style: chr1-235677112-T-C. GRCh37 (hg19) VCF-style: chr1-235840412-T-C.
Other names: c.11017A>G, p.Ile3673Val (NM_001301365.1); short protein forms I3673V.
Identifiers: ClinVar variation 2078276 (VCV002078276.1), dbSNP rs1477463059, ClinGen allele CA344921149.